The following is an entry in ClinVar:

NM_006031.6(PCNT):c.7465G>A (p.Glu2489Lys)

Gene: PCNT (pericentrin; plus strand). Cytogenetic location: 21q22.3.
Variant type: single nucleotide variant.
Coding change: c.7465G>A on transcript NM_006031.6 (MANE Select); coding-DNA position 7465, G replaced by A.
Protein change: p.Glu2489Lys; replaces glutamic acid 2489 with lysine.
Molecular consequence: missense variant.
Genome position (GRCh38, 1-based): chr21:46,427,766, G>A. VCF-style: chr21-46427766-G-A. GRCh37 (hg19) VCF-style: chr21-47847680-G-A.
Other names: c.7111G>A, p.Glu2371Lys (NM_001315529.2); short protein forms E2489K, E2371K.
Identifiers: ClinVar variation 159658 (VCV000159658.9), dbSNP rs148485670, ClinGen allele CA251106.

ClinVar aggregate classification (germline): Conflicting classifications of pathogenicity. Review status: criteria provided, conflicting classifications (1 of 4 stars). 4 submissions from 4 submitters: Uncertain significance (2); Likely benign (1). 1 of the submissions does not count toward it. Last evaluated 2024-11-21.

Conditions:
PCNT-related disorder. Also called: PCNT-related condition.
Microcephalic osteodysplastic primordial dwarfism type II (MOPD2). Also called: MOPD II; OSTEODYSPLASTIC PRIMORDIAL DWARFISM, TYPE II; Microcephalic osteodysplastic primordial dwarfism with tooth abnormalities. Identifiers: Orphanet 2637, MedGen C0432246, MONDO:0008872, OMIM 210720.

Allele frequency attached by ClinVar (database versions not stated): gnomAD 0.00001 and 0.00002; TOPMed 0.00002; ExAC 0.00005; gnomAD exomes 0.00005; ESP Exome Variant Server 0.00008.
gnomAD v4.1: 53 of 1,613,552 alleles (0.0033%); highest among the groups gnomAD compares: Middle Eastern, 0.016%; no homozygotes.

Submissions (4):

Blueprint Genetics
Classification: Likely benign. Last evaluated: 2024-11-21. Review status: criteria provided, single submitter. Criteria: ACMG Guidelines, 2015. Collection method: clinical testing. Allele origin: germline.

Labcorp Genetics (formerly Invitae), Labcorp
Classification: Uncertain significance. Last evaluated: 2022-02-21. Review status: criteria provided, single submitter. Criteria: Invitae Variant Classification Sherloc (09022015). Collection method: clinical testing. Allele origin: germline.
Comment: This sequence change replaces glutamic acid, which is acidic and polar, with lysine, which is basic and polar, at codon 2489 of the PCNT protein (p.Glu2489Lys). This variant is present in population databases (rs148485670, gnomAD 0.007%). This variant has not been reported in the literature in individuals affected with PCNT-related conditions. ClinVar contains an entry for this variant (Variation ID: 159658). Algorithms developed to predict the effect of missense changes on protein structure and function output the following: SIFT: "Tolerated"; PolyPhen-2: "Benign"; Align-GVGD: "Class C0". The lysine amino acid residue is found in multiple mammalian species, which suggests that this missense change does not adversely affect protein function. In summary, the available evidence is currently insufficient to determine the role of this variant in disease. Therefore, it has been classified as a Variant of Uncertain Significance.

Genetic Services Laboratory, University of Chicago
Classification: Uncertain significance for Microcephalic osteodysplastic primordial dwarfism, type II. Last evaluated: 2014-02-17. Review status: criteria provided, single submitter. Criteria: ACMG Guidelines, 2007. Collection method: clinical testing. Allele origin: germline. Inheritance: Autosomal recessive inheritance.

PreventionGenetics, part of Exact Sciences
Classification: Uncertain significance for PCNT-related condition. Last evaluated: 2024-05-16. Review status: no assertion criteria provided. Collection method: clinical testing. Allele origin: germline. Not counted in ClinVar's aggregate classification.
Comment: The PCNT c.7465G>A variant is predicted to result in the amino acid substitution p.Glu2489Lys. To our knowledge, this variant has not been reported in the literature. This variant is reported in 0.0062% of alleles in individuals of European (Non-Finnish) descent in gnomAD. At this time, the clinical significance of this variant is uncertain due to the absence of conclusive functional and genetic evidence.